The following is an entry in ClinVar:

NM_001170700.3(DTHD1):c.962A>G (p.Gln321Arg)

Gene: DTHD1 (death domain containing 1; plus strand). Cytogenetic location: 4p14.
Variant type: single nucleotide variant.
Coding change: c.962A>G on transcript NM_001170700.3 (MANE Select); coding-DNA position 962, A replaced by G.
Protein change: p.Gln321Arg; replaces glutamine 321 with arginine.
Molecular consequence: missense variant. On other transcripts: non-coding transcript variant (2).
Genome position (GRCh38, 1-based): chr4:36,290,447, A>G. VCF-style: chr4-36290447-A-G. GRCh37 (hg19) VCF-style: chr4-36292069-A-G.
Other names: c.92A>G, p.Gln31Arg (NM_001136536.5, NM_001378435.1); short protein forms Q31R, Q321R.
Identifiers: ClinVar variation 4763090 (VCV004763090.1).

ClinVar aggregate classification (germline): Uncertain significance (1 of 4 stars; one submission).

Submission:

Labcorp Genetics (formerly Invitae), Labcorp
Classification: Uncertain significance. Last evaluated: 2025-05-04. Review status: criteria provided, single submitter. Criteria: Invitae Variant Classification Sherloc (09022015). Collection method: clinical testing. Allele origin: germline.
Comment: This sequence change replaces glutamine, which is neutral and polar, with arginine, which is basic and polar, at codon 31 of the DTHD1 protein (p.Gln31Arg). This variant is not present in population databases (gnomAD no frequency). This variant has not been reported in the literature in individuals affected with DTHD1-related conditions. An algorithm developed to predict the effect of missense changes on protein structure and function (PolyPhen-2) suggests that this variant is likely to be tolerated. In summary, the available evidence is currently insufficient to determine the role of this variant in disease. Therefore, it has been classified as a Variant of Uncertain Significance.